The following is an entry in ClinVar:

NM_000540.3(RYR1):c.8542-3C>G

Genes: RYR1 (ryanodine receptor 1; plus strand), LOC126862902 (BRD4-independent group 4 enhancer GRCh37_chr19:38995830-38997029; plus strand). Cytogenetic location: 19q13.2.
Variant type: single nucleotide variant.
Coding change: c.8542-3C>G on transcript NM_000540.3 (MANE Select); 3 bases into the intron before coding-DNA position 8542, C replaced by G.
Molecular consequence: intron variant.
Genome position (GRCh38, 1-based): chr19:38,506,300, C>G. VCF-style: chr19-38506300-C-G. GRCh37 (hg19) VCF-style: chr19-38996940-C-G.
Other names: c.8542-3C>G (NM_001042723.2).
Identifiers: ClinVar variation 2787362 (VCV002787362.3), dbSNP rs1227863277, ClinGen allele CA633066657.

ClinVar aggregate classification (germline): Uncertain significance (1 of 4 stars; one submission).

Conditions:
RYR1-related disorder. Also called: RYR1-related condition; RYR1-related disorders. Identifiers: MedGen CN239331.

Allele frequency attached by ClinVar (database versions not stated): gnomAD exomes below 0.00001.
gnomAD v4.1: 2 of 1,614,032 alleles (0.00012%); highest among the groups gnomAD compares: African/African-American, 0.0013%; no homozygotes.

Submission:

Labcorp Genetics (formerly Invitae), Labcorp
Classification: Uncertain significance for RYR1-related disorder. Last evaluated: 2025-12-30. Review status: criteria provided, single submitter. Criteria: Invitae Variant Classification Sherloc (09022015). Collection method: clinical testing. Allele origin: germline.
Comment: This sequence change falls in intron 54 of the RYR1 gene. It does not directly change the encoded amino acid sequence of the RYR1 protein. It affects a nucleotide within the consensus splice site. This variant is present in population databases (no rsID available, gnomAD 0.007%). This variant has not been reported in the literature in individuals affected with RYR1-related conditions. ClinVar contains an entry for this variant (Variation ID: 2787362). Variants that disrupt the consensus splice site are a relatively common cause of aberrant splicing (PMID: 17576681, 9536098). Algorithms developed to predict the effect of sequence changes on RNA splicing suggest that this variant may disrupt the consensus splice site. In summary, the available evidence is currently insufficient to determine the role of this variant in disease. Therefore, it has been classified as a Variant of Uncertain Significance.

Literature cited by the submitters: PubMed 17576681; PubMed 9536098.